The following is an entry in ClinVar:

ClinVar aggregate classification (germline): Uncertain significance (1 of 4 stars; one submission).

Conditions:
Familial thoracic aortic aneurysm and aortic dissection (TAAD). Also called: Thoracic aortic aneurysms and dissections. Identifiers: Orphanet 91387, MedGen C4707243, MONDO:0019625.

gnomAD v4.1: 1 of 1,614,084 alleles (0.000062%); highest among the groups gnomAD compares: Non-Finnish European, 0.000085%; no homozygotes.

Submission:

Ambry Genetics
Classification: Uncertain significance for Familial thoracic aortic aneurysm and aortic dissection. Last evaluated: 2026-07-06. Review status: criteria provided, single submitter. Criteria: Ambry Variant Classification Scheme 2023. Collection method: clinical testing. Allele origin: germline.
Comment: The p.T2310I variant (also known as c.6929C>T), located in coding exon 56 of the FBN1 gene, results from a C to T substitution at nucleotide position 6929. The threonine at codon 2310 is replaced by isoleucine, an amino acid with similar properties. This amino acid position is conserved. In addition, this alteration is predicted to be deleterious by in silico analysis. Based on the available evidence, the clinical significance of this variant remains unclear.

NM_000138.5(FBN1):c.6929C>T (p.Thr2310Ile)

Gene: FBN1 (fibrillin 1; minus strand). Cytogenetic location: 15q21.1.
Variant type: single nucleotide variant.
Coding change: c.6929C>T on transcript NM_000138.5 (MANE Select); coding-DNA position 6929, C replaced by T.
Protein change: p.Thr2310Ile; replaces threonine 2310 with isoleucine.
Molecular consequence: missense variant.
Genome position (GRCh38, 1-based): chr15:48,428,414, G>A on the plus strand (C>T on the coding strand, the complement: FBN1 is on the minus strand). VCF-style: chr15-48428414-G-A. GRCh37 (hg19) VCF-style: chr15-48720611-G-A.
Other names: c.6929C>T, p.Thr2310Ile (NM_001406716.1); short protein forms T2310I.
Identifiers: ClinVar variation 5021580 (VCV005021580.1).